The following is an entry in ClinVar:

NM_001173464.2(KIF21A):c.3341-11dup

Gene: KIF21A (kinesin family member 21A; minus strand). Cytogenetic location: 12q12.
Variant type: Duplication.
Coding change: c.3341-11dup on transcript NM_001173464.2 (MANE Select); 11 bases into the intron before coding-DNA position 3341, one base duplicated (T; older notation c.3341-11dupT).
Molecular consequence: intron variant.
Genome position (GRCh38, 1-based): chr12:39,326,329, A duplicated on the plus strand (T on the coding strand, the reverse complement: KIF21A is on the minus strand); the first of 7 consecutive A bases (chr12:39,326,329-39,326,335); duplicating any one gives the same sequence. VCF-style (leftmost placement, unchanged base first): chr12-39326328-C-CA. GRCh37 (hg19) VCF-style: chr12-39720130-C-CA.
Other names: c.3233-11dup (NM_001173465.2); c.3281-11dup (NM_001173463.2); c.3302-11dup (NM_017641.4); c.3341-5dupT (NM_001173464.1).
Identifiers: ClinVar variation 308559 (VCV000308559.7), dbSNP rs71075059, ClinGen allele CA6510534.

ClinVar aggregate classification (germline): Benign (0 of 4 stars; one submission).

Conditions:
KIF21A-related disorder. Also called: KIF21A-related condition.

Submission:

PreventionGenetics, part of Exact Sciences
Classification: Benign for KIF21A-related condition. Last evaluated: 2019-04-04. Review status: no assertion criteria provided. Collection method: clinical testing. Allele origin: germline.
Comment: This variant is classified as benign based on ACMG/AMP sequence variant interpretation guidelines (Richards et al. 2015 PMID: 25741868, with internal and published modifications).